The following is an entry in ClinVar:

ClinVar aggregate classification (germline): Likely benign. Review status: criteria provided, single submitter (1 of 4 stars). 2 submissions from 2 submitters: Likely benign (1). 1 of the submissions does not count toward it. Last evaluated 2024-10-25.

Conditions:
Developmental and epileptic encephalopathy, 21 (DEE21). Also called: Early infantile epileptic encephalopathy 21. Identifiers: Orphanet 442835, MedGen C4014430, MONDO:0014360, OMIM 615833.
NECAP1-related disorder. Also called: NECAP1-related condition.

Allele frequency attached by ClinVar (database versions not stated): gnomAD 0.00001; ESP Exome Variant Server 0.00008.
gnomAD v4.1: 43 of 1,613,732 alleles (0.0027%); highest among the groups gnomAD compares: East Asian, 0.016%; no homozygotes.

Submissions (2):

Labcorp Genetics (formerly Invitae), Labcorp
Classification: Likely benign for Developmental and epileptic encephalopathy, 21. Last evaluated: 2024-10-25. Review status: criteria provided, single submitter. Criteria: Invitae Variant Classification Sherloc (09022015). Collection method: clinical testing. Allele origin: germline.

PreventionGenetics, part of Exact Sciences
Classification: Likely benign for NECAP1-related condition. Last evaluated: 2019-04-10. Review status: no assertion criteria provided. Collection method: clinical testing. Allele origin: germline. Not counted in ClinVar's aggregate classification.
Comment: This variant is classified as likely benign based on ACMG/AMP sequence variant interpretation guidelines (Richards et al. 2015 PMID: 25741868, with internal and published modifications).

NM_015509.4(NECAP1):c.648G>A (p.Pro216=)

Gene: NECAP1 (NECAP endocytosis associated 1; plus strand). Cytogenetic location: 12p13.31.
Variant type: single nucleotide variant.
Coding change: c.648G>A on transcript NM_015509.4 (MANE Select); coding-DNA position 648, G replaced by A.
Protein change: p.Pro216=; no amino-acid change (proline 216 retained).
Molecular consequence: synonymous variant. On other transcripts: non-coding transcript variant (1).
Genome position (GRCh38, 1-based): chr12:8,093,027, G>A. VCF-style: chr12-8093027-G-A. GRCh37 (hg19) VCF-style: chr12-8245623-G-A.
Other names: c.648G>A (NM_015509.3).
Identifiers: ClinVar variation 1582301 (VCV001582301.9), dbSNP rs370869772, ClinGen allele CA6432323.